The following is an entry in ClinVar:

ClinVar aggregate classification (germline): Uncertain significance. Review status: reviewed by expert panel (3 of 4 stars). 24 submissions from 23 submitters: Uncertain significance (1). 23 of the submissions do not count toward it. Last evaluated 2025-11-14.

Conditions:
Hypertrophic cardiomyopathy 7. Also called: TNNI3-Related Familial Hypertrophic Cardiomyopathy; Familial hypertrophic cardiomyopathy 7; CARDIOMYOPATHY, FAMILIAL HYPERTROPHIC, 7, MODIFIER OF. Identifiers: MedGen C1860752, MONDO:0013369, OMIM 613690.
Dilated cardiomyopathy 1FF (CMD1FF). Identifiers: Orphanet 154, MedGen C2750091, MONDO:0013211, OMIM 613286.
Cardiomyopathy, familial restrictive, 1. Identifiers: Orphanet 75249, MedGen C1861861, MONDO:0007270, OMIM 115210.
TNNI3-related disorder. Also called: TNNI3-related disorders; TNNI3-related condition.
Cardiovascular phenotype. Identifiers: MedGen CN230736.
Dilated cardiomyopathy 2A (CMD2A). Also called: CARDIOMYOPATHY, CONGESTIVE, AUTOSOMAL RECESSIVE; CARDIOMYOPATHY, DILATED, AUTOSOMAL RECESSIVE. Identifiers: Orphanet 154, MedGen C2678474, MONDO:0012746, OMIM 611880.
Cardiomyopathy (CMYO). Also called: Cardiomyopathies. Identifiers: Orphanet 167848, MedGen C0878544, MONDO:0004994, HP:0001638. Inheritance: Various modes of inheritance.
Primary familial hypertrophic cardiomyopathy (HCM). Identifiers: Orphanet 99739, MedGen C0949658, MeSH D024741, MONDO:0024573. Inheritance: Various modes of inheritance.
Hypertrophic cardiomyopathy. Also called: HYPERTROPHIC MYOCARDIOPATHY. Identifiers: Orphanet 217569, MedGen C0007194, MeSH D002312, MONDO:0005045, HP:0001639.

Allele frequency attached by ClinVar (database versions not stated): TOPMed 0.00002; ExAC 0.00003; gnomAD exomes 0.00004; ESP Exome Variant Server 0.00008.
gnomAD v4.1: 37 of 1,612,806 alleles (0.0023%); highest among the groups gnomAD compares: South Asian, 0.013%; no homozygotes.

Submissions 1 to 6 of 24:

ClinGen Cardiomyopathy Variant Curation Expert Panel
Classification: Uncertain significance for Hypertrophic cardiomyopathy. Last evaluated: 2025-11-14. Review status: reviewed by expert panel. Criteria: ClinGen CMP ACMG Specifications TNNI3 V1.0.0. Collection method: curation. Allele origin: germline. Inheritance: Autosomal dominant inheritance.
Comment: NM_000363.5(TNNI3):c.484C>T (p.Arg162Trp). This variant has been reported in individuals with HCM and other cardiomyopathies (Laboratory for Molecular Medicine (LMM) data, Oxford Medical Genomics Laboratory (OMGL) data, Kimura 1997 PMID: 9241277, Elliott 2000 PMID: 10806205, Takahashi-Yanaga 2001 PMID: 11735257, Garcia-Pavia 2011 PMID: 21896538, Kubo 2011 PMID: 21799269, Andreasen 2013 PMID: 23299917, Santos 2012 PMID: 22429680, Maron 2012 PMID: 21839045, Gray 2013 PMID: 23270746, Redwood 1999 PMID: 10615387, Walsh 2017 PMID: 27532257, Das 2014 PMID: 24113344, Wang 2014 PMID: 25132132, Hirota 2010 PMID: 20350521) and has also been identified in 3 out of 17978 (0.04% FAF 95% CI) of East Asian chromosomes in gnomAD (v.2.1). The variant is statistically increased in individuals with HCM compared to controls (OR, lower 95% CI>5), therefore, the PS4 criterion has been applied at supporting weight (PS4_Supporting) and the PM2_Supporting criterion has not been applied. Therefore, the PP1 criterion was not applied. This variant lies in a region of the protein where variants are statistically more likely to be disease-associated (PM1; Walsh 2019 PMID:30696458). In vitro functional studies provide some evidence that this variant could impact protein function (Elliott 2000 PMID: 10806205); however, this data is currently insufficient to establish functional impact and apply PS3. Additionally, computational prediction tools and conservation analyses do not provide strong support for or against an impact to the protein (REVEL score <0.7). In summary, due to insufficient evidence, this variant is classified as uncertain significance for hypertrophic cardiomyopathy in an autosomal dominant manner based on PS4_Supporting, and PM1.

Labcorp Genetics (formerly Invitae), Labcorp
Classification: Pathogenic for Hypertrophic cardiomyopathy. Last evaluated: 2026-01-26. Review status: criteria provided, single submitter. Criteria: Invitae Variant Classification Sherloc (09022015). Collection method: clinical testing. Allele origin: germline. Not counted in ClinVar's aggregate classification.
Comment: This sequence change replaces arginine, which is basic and polar, with tryptophan, which is neutral and slightly polar, at codon 162 of the TNNI3 protein (p.Arg162Trp). This variant is present in population databases (rs368861241, gnomAD 0.02%). This missense change has been observed in individuals with hypertrophic cardiomyopathy, in the heterozygous and homozygous states (PMID: 9241277, 21799269, 21896538, 22429680, 25132132, 27532257, 28356264, 30847666, 32746448, 33673806). ClinVar contains an entry for this variant (Variation ID: 161396). An algorithm developed to predict the effect of missense changes on protein structure and function (PolyPhen-2) suggests that this variant is likely to be disruptive. Experimental studies have shown that this missense change affects TNNI3 function (PMID: 10806205, 11735257). This variant disrupts the p.Arg162 amino acid residue in TNNI3. Other variant(s) that disrupt this residue have been determined to be pathogenic (PMID: 12860912, 15607392, 15698845, 15992656, 16352453, 22876777). This suggests that this residue is clinically significant, and that variants that disrupt this residue are likely to be disease-causing. For these reasons, this variant has been classified as Pathogenic.

Ambry Genetics
Classification: Likely pathogenic for Cardiovascular phenotype. Last evaluated: 2025-11-06. Review status: criteria provided, single submitter. Criteria: Ambry Variant Classification Scheme 2023. Collection method: clinical testing. Allele origin: germline. Not counted in ClinVar's aggregate classification.
Comment: The p.R162W variant (also known as c.484C>T), located in coding exon 7 of the TNNI3 gene, results from a C to T substitution at nucleotide position 484. The arginine at codon 162 is replaced by tryptophan, an amino acid with dissimilar properties. This variant has been reported in the heterozygous state in multiple individuals with hypertrophic cardiomyopathy (HCM) (Kimura A et al. Nat. Genet. 1997;16:379-82; Garcia-Pavia P et al. Eur. J. Heart Fail. 2011;13:1193-201; Santos S et al. BMC Med. Genet. 2012;13:17; G&oacute;mez J et al. Circ. J. 2014;78:2963-71 Lopes LR et al. Heart. 2015;101:294-301; Walsh R et al. Genet. Med. 2017;19:192-203). It has also been detected in the homozygous state in two siblings and a third, unrelated individual with HCM; however, their heterozygous relatives were unaffected (Das K J et al. Genet. Med. 2014;16:286-93; Gray B et al. Int. J. Cardiol. 2013;168:1530-1). This variant has also been seen in an exome cohort, but cardiovascular history was not provided (Amendola LM et al. Genome Res. 2015;25:305-15). Functional studies suggest that this alteration impacts TNNI3 protein function (Elliott K et al. J. Biol. Chem. 2000;275:22069-74; Takahashi-Yanaga F et al. J. Mol. Cell. Cardiol. 2001;33:2095-107). Another variant at the same codon, p.R162Q (c.485G>A), has been described in association with HCM (Van Driest SL et al. Circulation. 2003;108(4):445-51). This amino acid position is not well conserved in available vertebrate species. In addition, the in silico prediction for this alteration is inconclusive. Based on the supporting evidence, this variant is expected to be causative of autosomal dominant TNNI3-related cardiomyopathy; however, its clinical significance for autosomal recessive TNNI3-related dilated cardiomyopathy is unclear.

Institute of Human Genetics, Heidelberg University
Classification: Pathogenic for Hypertrophic cardiomyopathy 7. Last evaluated: 2025-08-22. Review status: criteria provided, single submitter. Criteria: ACMG Guidelines, 2015. Collection method: clinical testing. Allele origin: maternal. Observed: 2 variant alleles. Not counted in ClinVar's aggregate classification.
Comment: PM5, PS3_supp, PM1, PP3_supp, PS4, PM2_supp

Color Diagnostics, LLC DBA Color Health
Classification: Likely pathogenic for Cardiomyopathy. Last evaluated: 2025-06-17. Review status: criteria provided, single submitter. Criteria: ACMG Guidelines, 2015. Collection method: clinical testing. Allele origin: germline. Not counted in ClinVar's aggregate classification.
Comment: This missense variant replaces arginine with tryptophan at codon 162 of the TNNI3 protein. This variant is found within a highly conserved region of the actin binding region (aa137-148). Missense variants in this region have been shown to be significantly overrepresented in individuals with affected with hypertrophic cardiomyopathy (PMID: 30696458). Computational prediction tool is inconclusive regarding the impact of this variant on protein structure and function. Functional studies have shown that this variant increases the Ca2+ sensitivity of cardiac muscle contraction (PMID: 10806205, 11735257). This variant has been reported in more than ten individuals affected with hypertrophic cardiomyopathy (PMID: 9241277, 21799269, 21896538, 22429680, 24113344, 27532257, 30105547, 30847666, 32746448, 33495596, 33495597, 33673806, 35288587, 36252119). In one family, this variant was observed in homozygosity in two siblings affected with hypertrophic cardiomyopathy (PMID: 24113344). However, four heterozygous carriers from this family were not clinically affected. This variant has been identified in 10/249000 chromosomes in the general population by the Genome Aggregation Database (gnomAD). Different missense variants occurring at this codon, p.Arg162Pro and p.Arg162Gln, are considered to be disease-causing (ClinVar variant ID: 43390 and 43389), suggesting that arginine at this position is important for TNNI3 protein function. Based on the available evidence, this variant is classified as Likely Pathogenic.

Genomic Medicine Center of Excellence, King Faisal Specialist Hospital and Research Centre
Classification: Likely pathogenic for Hypertrophic cardiomyopathy 7. Last evaluated: 2025-01-04. Review status: criteria provided, single submitter. Criteria: ACMG Guidelines, 2015. Collection method: clinical testing. Allele origin: germline. Not counted in ClinVar's aggregate classification.

NM_000363.5(TNNI3):c.484C>T (p.Arg162Trp)

Gene: TNNI3 (troponin I3, cardiac type; minus strand). Cytogenetic location: 19q13.42.
Variant type: single nucleotide variant.
Coding change: c.484C>T on transcript NM_000363.5 (MANE Select); coding-DNA position 484, C replaced by T.
Protein change: p.Arg162Trp; replaces arginine 162 with tryptophan.
Molecular consequence: missense variant.
Genome position (GRCh38, 1-based): chr19:55,154,095, G>A on the plus strand (C>T on the coding strand, the complement: TNNI3 is on the minus strand). VCF-style: chr19-55154095-G-A. GRCh37 (hg19) VCF-style: chr19-55665463-G-A.
Other names: p.R162W:CGG>TGG; short protein forms R162W.
Identifiers: ClinVar variation 161396 (VCV000161396.82), dbSNP rs368861241, ClinGen allele CA021738.
Genomic context (GRCh38, chr19:55,154,095, plus strand): 5'-CGGTGTCCTCCTTCTTCACCTGCTTGAGGTGGGCCCGCAGGTCCAGGGACTCCTTAGCCC[G>A]GGCCCCCAGCAGCGCCTGCATCATGGCATCTGCAGAGATCCTCACTCTCCGCAGGGTGGG-3'
Protein context (NP_000354.4, residues 152-172): DAMMQALLGA[Arg162Trp]AKESLDLRAH